The following is an entry in ClinVar:

ClinVar aggregate classification (germline): Uncertain significance (1 of 4 stars; one submission).

Submission:

Labcorp Genetics (formerly Invitae), Labcorp
Classification: Uncertain significance. Last evaluated: 2023-08-24. Review status: criteria provided, single submitter. Criteria: Invitae Variant Classification Sherloc (09022015). Collection method: clinical testing. Allele origin: germline.
Comment: This sequence change falls in intron 6 of the KIZ gene. It does not directly change the encoded amino acid sequence of the KIZ protein. This variant is not present in population databases (gnomAD no frequency). This variant has not been reported in the literature in individuals affected with KIZ-related conditions. Algorithms developed to predict the effect of sequence changes on RNA splicing suggest that this variant may disrupt the consensus splice site. In summary, the available evidence is currently insufficient to determine the role of this variant in disease. Therefore, it has been classified as a Variant of Uncertain Significance.

NM_018474.6(KIZ):c.1353-8T>A

Genes: KIZ (kizuna centrosomal protein; plus strand), KIZ-AS1 (KIZ antisense RNA 1; minus strand). Cytogenetic location: 20p11.23.
Variant type: single nucleotide variant.
Coding change: c.1353-8T>A on transcript NM_018474.6 (MANE Select); 8 bases into the intron before coding-DNA position 1353, T replaced by A.
Molecular consequence: intron variant.
Genome position (GRCh38, 1-based): chr20:21,205,483, T>A. VCF-style: chr20-21205483-T-A. GRCh37 (hg19) VCF-style: chr20-21186122-T-A.
Other names: c.1206-8T>A (NM_001276389.2); c.1011-8T>A (NM_001352436.2); c.1353-8T>A (NM_001352434.2); c.1044-8T>A (NM_001163022.3, NM_001352435.2); c.954-8T>A (NM_001163023.3).
Identifiers: ClinVar variation 2860960 (VCV002860960.3), dbSNP rs2514801195, ClinGen allele CA2739277090.